The following is an entry in ClinVar:

NM_003743.5(NCOA1):c.1868A>G (p.Asp623Gly)

Gene: NCOA1 (nuclear receptor coactivator 1; plus strand). Cytogenetic location: 2p23.3.
Variant type: single nucleotide variant.
Coding change: c.1868A>G on transcript NM_003743.5 (MANE Select); coding-DNA position 1868, A replaced by G.
Protein change: p.Asp623Gly; replaces aspartic acid 623 with glycine.
Molecular consequence: missense variant.
Genome position (GRCh38, 1-based): chr2:24,707,338, A>G. VCF-style: chr2-24707338-A-G. GRCh37 (hg19) VCF-style: chr2-24930207-A-G.
Other names: c.1868A>G, p.Asp623Gly (NM_001362950.1, NM_001362952.1, NM_001362954.1 and 3 more transcripts); short protein forms D623G.
Identifiers: ClinVar variation 3355563 (VCV003355563.1).

ClinVar aggregate classification (germline): Uncertain significance (0 of 4 stars; one submission).

Conditions:
NCOA1-related disorder. Also called: NCOA1-related condition.

gnomAD v4.1: 7 of 1,614,112 alleles (0.00043%); highest among the groups gnomAD compares: South Asian, 0.0022%; no homozygotes.

Submission:

PreventionGenetics, part of Exact Sciences
Classification: Uncertain significance for NCOA1-related condition. Last evaluated: 2023-12-29. Review status: no assertion criteria provided. Collection method: clinical testing. Allele origin: germline.
Comment: The NCOA1 c.1868A>G variant is predicted to result in the amino acid substitution p.Asp623Gly. To our knowledge, this variant has not been reported in the literature. This variant is reported in 0.0033% of alleles in individuals of South Asian descent in gnomAD. At this time, the clinical significance of this variant is uncertain due to the absence of conclusive functional and genetic evidence.